The following is an entry in ClinVar:

ClinVar aggregate classification (germline): Pathogenic (1 of 4 stars; one submission).

Conditions:
Duchenne muscular dystrophy (DMD). Also called: MUSCULAR DYSTROPHY, PSEUDOHYPERTROPHIC PROGRESSIVE, DUCHENNE TYPE; Duchenne Muscular Dystrophy (DMD). Identifiers: Orphanet 98896, MedGen C0013264, MONDO:0010679, OMIM 310200.

Submission:

Labcorp Genetics (formerly Invitae), Labcorp
Classification: Pathogenic for Duchenne muscular dystrophy. Last evaluated: 2024-01-20. Review status: criteria provided, single submitter. Criteria: Invitae Variant Classification Sherloc (09022015). Collection method: clinical testing. Allele origin: germline.
Comment: This sequence change creates a premature translational stop signal (p.Lys2329*) in the DMD gene. It is expected to result in an absent or disrupted protein product. Loss-of-function variants in DMD are known to be pathogenic (PMID: 16770791, 25007885). This variant is not present in population databases (gnomAD no frequency). This variant has not been reported in the literature in individuals affected with DMD-related conditions. For these reasons, this variant has been classified as Pathogenic.

Literature cited by the submitters: PubMed 16770791; PubMed 25007885.

NM_004006.3(DMD):c.6985A>T (p.Lys2329Ter)

Gene: DMD (dystrophin; minus strand). Cytogenetic location: Xp21.1.
Variant type: single nucleotide variant.
Coding change: c.6985A>T on transcript NM_004006.3 (MANE Select); coding-DNA position 6985, A replaced by T.
Protein change: p.Lys2329Ter; replaces lysine 2329 with a stop codon.
Molecular consequence: nonsense. On other transcripts: 5 prime UTR variant (5).
Genome position (GRCh38, 1-based): chrX:31,875,301, T>A on the plus strand (A>T on the coding strand, the complement: DMD is on the minus strand). VCF-style: chrX-31875301-T-A. GRCh37 (hg19) VCF-style: chrX-31893418-T-A.
Other names: c.6961A>T, p.Lys2321Ter (NM_000109.4); c.6973A>T, p.Lys2325Ter (NM_004009.3); c.6616A>T, p.Lys2206Ter (NM_004010.3); c.2962A>T, p.Lys988Ter (NM_004011.4); c.2953A>T, p.Lys985Ter (NM_004012.4); c.-396A>T (NM_004013.3, NM_004020.4, NM_004021.3 and 2 more transcripts); short protein forms K2206*, K2321*, K2329*, K2325*, K985*, K988*.
Identifiers: ClinVar variation 2710430 (VCV002710430.3), dbSNP rs2532455487, ClinGen allele CA412660113.
Genomic context (GRCh38, chrX:31,875,301, plus strand): 5'-TCCTAATAGGAGATAACCACAGCAGCAGATGATTTAACTGCTCTTCAAGGTCTTCAAGCT[T>A]TTTTTCAAGCTGCCCAAGGTCTTTTATTTGAGCTTCAATTTCTCCTTGTTTCTCAGGTAA-3'